The following is an entry in ClinVar:

ClinVar aggregate classification (germline): Likely pathogenic (1 of 4 stars; one submission).

Conditions:
Developmental delay with or without dysmorphic facies and autism. Identifiers: MedGen C5193106, MONDO:0032760, OMIM 618454.

Submission:

Victorian Clinical Genetics Services, Murdoch Childrens Research Institute
Classification: Likely pathogenic for Developmental delay with or without dysmorphic facies and autism. Last evaluated: 2020-05-25. Review status: criteria provided, single submitter. Criteria: ACMG Guidelines, 2015. Collection method: clinical testing. Allele origin: germline. Inheritance: Autosomal dominant inheritance. Affected: yes.
Comment: Based on classification scheme VCGS_Germline_v1.1.1, this variant is classified as Likely pathogenic. Following criteria are met: 0105 - The mechanism of disease for this gene is not clearly established. (N) 0107 - This gene is known to be associated with autosomal dominant disease. (N) 0200 - Variant is predicted to result in a missense amino acid change from leucine to arginine (exon 39). (N) 0251 - Variant is heterozygous. (N) 0301 - Variant is absent from gnomAD. (P) 0501 - Missense variant consistently predicted to be damaging by multiple in-silico tools or highly conserved with a major amino acid change. (P) 0603 - Missense variant in a region that is highly intolerant to missense variation (high constraint region). (P) 0705 - No comparable variants have previous evidence for pathogenicity. (N) 0807 - Variant has not previously been reported in a clinical context. (N) 0905 - No segregation evidence has been identified for this variant. (N) 1007 - No published functional evidence has been identified for this variant. (P) Legend: (P) - Pathogenic, (N) - Neutral, (B) - Benign

NM_001375524.1(TRRAP):c.5726T>G (p.Leu1909Arg)

Gene: TRRAP (transformation/transcription domain associated protein; plus strand). Cytogenetic location: 7q22.1.
Variant type: single nucleotide variant.
Coding change: c.5726T>G on transcript NM_001375524.1 (MANE Select); coding-DNA position 5726, T replaced by G.
Protein change: p.Leu1909Arg; replaces leucine 1909 with arginine.
Molecular consequence: missense variant.
Genome position (GRCh38, 1-based): chr7:98,953,429, T>G. VCF-style: chr7-98953429-T-G. GRCh37 (hg19) VCF-style: chr7-98551052-T-G.
Other names: c.5651T>G, p.Leu1884Arg (NM_003496.4); c.5705T>G, p.Leu1902Arg (NM_001244580.2); short protein forms L1884R, L1902R, L1909R.
Identifiers: ClinVar variation 1805775 (VCV001805775.1), dbSNP rs2484868235, ClinGen allele CA368321236.
Genomic context (GRCh38, chr7:98,953,429, plus strand): 5'-GCGGACACTTGCTCCTGGCGCACATTATCGCCAAATTCGCCATACACAAGAAGATCGTCC[T>G]GCAGGTATTTTGCAAGCCCCTCCTGTCCGCCGACATCAGCGTGAATCTCACATGGTGCAC-3'
Protein context (NP_001362453.1, residues 1899-1919): AKFAIHKKIV[Leu1909Arg]QVFHSLLKAH